The following is an entry in ClinVar:

NM_001042492.3(NF1):c.1722-1G>T

Gene: NF1 (neurofibromin 1; plus strand). Cytogenetic location: 17q11.2.
Variant type: single nucleotide variant.
Coding change: c.1722-1G>T on transcript NM_001042492.3 (MANE Select); the canonical splice acceptor site of the intron before coding-DNA position 1722, G replaced by T.
Molecular consequence: splice acceptor variant.
Genome position (GRCh38, 1-based): chr17:31,223,443, G>T. VCF-style: chr17-31223443-G-T. GRCh37 (hg19) VCF-style: chr17-29550461-G-T.
Other names: c.1722-1G>T (NM_000267.4).
Identifiers: ClinVar variation 2672087 (VCV002672087.3), dbSNP rs1567845818, ClinGen allele CA399003943.

ClinVar aggregate classification (germline): Pathogenic. Review status: criteria provided, multiple submitters, no conflicts (2 of 4 stars). 2 submissions from 2 submitters: Pathogenic (2). Last evaluated 2024-03-02.

Conditions:
Neurofibromatosis, type 1 (NF1). Also called: NEUROFIBROMATOSIS, TYPE I, SOMATIC; Peripheral type neurofibromatosis; VON RECKLINGHAUSEN DISEASE; Neurofibromatosis, type I. Identifiers: Orphanet 636, MedGen C0027831, MONDO:0018975, OMIM 162200. Disease mechanism: loss of function.

Submissions (2):

Labcorp Genetics (formerly Invitae), Labcorp
Classification: Pathogenic for Neurofibromatosis, type 1. Last evaluated: 2024-03-02. Review status: criteria provided, single submitter. Criteria: Invitae Variant Classification Sherloc (09022015). Collection method: clinical testing. Allele origin: germline.
Comment: This sequence change affects an acceptor splice site in intron 15 of the NF1 gene. It is expected to disrupt RNA splicing. Variants that disrupt the donor or acceptor splice site typically lead to a loss of protein function (PMID: 16199547), and loss-of-function variants in NF1 are known to be pathogenic (PMID: 10712197, 23913538). This variant is not present in population databases (gnomAD no frequency). Disruption of this splice site has been observed in individuals with neurofibromatosis type 1 (PMID: 17311297; Invitae). Algorithms developed to predict the effect of sequence changes on RNA splicing suggest that this variant may disrupt the consensus splice site. For these reasons, this variant has been classified as Pathogenic.

Clinical Genomics Laboratory, Washington University in St. Louis
Classification: Pathogenic for Neurofibromatosis, type 1. Last evaluated: 2023-07-25. Review status: criteria provided, single submitter. Criteria: ACMG Guidelines, 2015. Collection method: clinical testing. Allele origin: somatic. Affected: yes.
Comment: An NF1 c.1722-1G>T variant was identified at an allelic fraction consistent with somatic origin. This variant has not been reported in the medical literature. The NF1 c.1722-1G>T variant is absent from the general population (gnomAD v.2.1.1), indicating it is not a common variant. This variant occurs within the canonical splice acceptor site preceding exon 16, which is predicted to cause skipping of the exon and lead to an out-of-frame transcript. Based on an internally-developed protocol informed by the ACMG/AMP guidelines (Richards S et al., PMID: 25741868) and gene-specific practices from the ClinGen Criteria Specification Registry, the NF1 c.1722-1G>T variant is classified as pathogenic.

Literature cited by the submitters: PubMed 16199547 (cited by Labcorp Genetics (formerly Invitae), Labcorp); PubMed 10712197 (cited by Labcorp Genetics (formerly Invitae), Labcorp); PubMed 23913538 (cited by Labcorp Genetics (formerly Invitae), Labcorp); PubMed 17311297 (cited by Labcorp Genetics (formerly Invitae), Labcorp).